The following is an entry in ClinVar:

NM_025137.4(SPG11):c.7189A>C (p.Asn2397His)

Gene: SPG11 (SPG11 vesicle trafficking associated, spatacsin; minus strand). Cytogenetic location: 15q21.1.
Variant type: single nucleotide variant.
Coding change: c.7189A>C on transcript NM_025137.4 (MANE Select); coding-DNA position 7189, A replaced by C.
Protein change: p.Asn2397His; replaces asparagine 2397 with histidine.
Molecular consequence: missense variant.
Genome position (GRCh38, 1-based): chr15:44,563,264, T>G on the plus strand (A>C on the coding strand, the complement: SPG11 is on the minus strand). VCF-style: chr15-44563264-T-G. GRCh37 (hg19) VCF-style: chr15-44855462-T-G.
Other names: c.6850A>C, p.Asn2284His (NM_001160227.2); short protein forms N2397H, N2284H.
Identifiers: ClinVar variation 534887 (VCV000534887.11), dbSNP rs779892720, ClinGen allele CA7533854.

ClinVar aggregate classification (germline): Uncertain significance. Review status: criteria provided, multiple submitters, no conflicts (2 of 4 stars). 6 submissions from 4 submitters: Uncertain significance (6). Last evaluated 2022-09-14.

Conditions:
Inborn genetic diseases. Identifiers: MedGen C0950123, MeSH D030342.
Amyotrophic lateral sclerosis type 5 (ALS5). Also called: AMYOTROPHIC LATERAL SCLEROSIS 5, JUVENILE. Identifiers: Orphanet 300605, MedGen C1865864, MONDO:0011196, OMIM 602099.
Hereditary spastic paraplegia 11. Also called: Nakamura Osame syndrome; Autosomal recessive hereditary spastic paraplegia, mental impairment, and thin corpus callosum; Spastic paraplegia, mental retardation and thin corpus callosum; SPASTIC PARAPLEGIA, AUTOSOMAL RECESSIVE, COMPLICATED, WITH THIN CORPUS CALLOSUM; SPASTIC PARAPLEGIA, AUTOSOMAL RECESSIVE, WITH MENTAL IMPAIRMENT AND THIN CORPUS CALLOSUM; Spastic Paraplegia 11. Identifiers: Orphanet 2822, MedGen C1858479, MONDO:0011445, OMIM 604360.
Charcot-Marie-Tooth disease axonal type 2X. Also called: CHARCOT-MARIE-TOOTH DISEASE, AXONAL, AUTOSOMAL RECESSIVE, TYPE 2X; CHARCOT-MARIE-TOOTH NEUROPATHY, TYPE 2X. Identifiers: Orphanet 466775, MedGen C5569024, MONDO:0014726, OMIM 616668.

Allele frequency attached by ClinVar (database versions not stated): gnomAD exomes 0.00002 and 0.00011; ExAC 0.00003; gnomAD 0.00003 and 0.00004; TOPMed 0.00003.
gnomAD v4.1: 164 of 1,613,906 alleles (0.01%); highest among the groups gnomAD compares: Non-Finnish European, 0.014%; no homozygotes.

Submissions (6):

Ambry Genetics
Classification: Uncertain significance for Inborn genetic diseases. Last evaluated: 2022-09-14. Review status: criteria provided, single submitter. Criteria: Ambry Variant Classification Scheme 2023. Collection method: clinical testing. Allele origin: germline.

Labcorp Genetics (formerly Invitae), Labcorp
Classification: Uncertain significance for Hereditary spastic paraplegia 11. Last evaluated: 2022-03-05. Review status: criteria provided, single submitter. Criteria: Invitae Variant Classification Sherloc (09022015). Collection method: clinical testing. Allele origin: germline.
Comment: This sequence change replaces asparagine, which is neutral and polar, with histidine, which is basic and polar, at codon 2397 of the SPG11 protein (p.Asn2397His). This variant is present in population databases (rs779892720, gnomAD 0.004%). This variant has not been reported in the literature in individuals affected with SPG11-related conditions. ClinVar contains an entry for this variant (Variation ID: 534887). Algorithms developed to predict the effect of missense changes on protein structure and function are either unavailable or do not agree on the potential impact of this missense change (SIFT: "Deleterious"; PolyPhen-2: "Probably Damaging"; Align-GVGD: "Class C0"). In summary, the available evidence is currently insufficient to determine the role of this variant in disease. Therefore, it has been classified as a Variant of Uncertain Significance.

Illumina Laboratory Services, Illumina
Classification: Uncertain significance for Hereditary spastic paraplegia 11. Last evaluated: 2018-01-12. Review status: criteria provided, single submitter. Criteria: ICSL Variant Classification Criteria 13 December 2019. Collection method: clinical testing. Allele origin: germline.

Genome-Nilou Lab
Classification: Uncertain significance for Amyotrophic lateral sclerosis type 5. Review status: criteria provided, single submitter. Criteria: ACMG Guidelines, 2015. Collection method: clinical testing. Allele origin: germline.

Genome-Nilou Lab
Classification: Uncertain significance for Charcot-Marie-Tooth disease axonal type 2X. Review status: criteria provided, single submitter. Criteria: ACMG Guidelines, 2015. Collection method: clinical testing. Allele origin: germline.

Genome-Nilou Lab
Classification: Uncertain significance for Hereditary spastic paraplegia 11. Review status: criteria provided, single submitter. Criteria: ACMG Guidelines, 2015. Collection method: clinical testing. Allele origin: germline.